The following is an entry in ClinVar:

NM_001374259.2(IL12RB2):c.2100A>T (p.Glu700Asp)

Gene: IL12RB2 (interleukin 12 receptor subunit beta 2; plus strand). Cytogenetic location: 1p31.3.
Variant type: single nucleotide variant.
Coding change: c.2100A>T on transcript NM_001374259.2 (MANE Select); coding-DNA position 2100, A replaced by T.
Protein change: p.Glu700Asp; replaces glutamic acid 700 with aspartic acid.
Molecular consequence: missense variant. On other transcripts: 3 prime UTR variant (3), non-coding transcript variant (2).
Genome position (GRCh38, 1-based): chr1:67,395,600, A>T. VCF-style: chr1-67395600-A-T. GRCh37 (hg19) VCF-style: chr1-67861283-A-T.
Other names: c.*20A>T (NM_001258214.1, NM_001319233.1); c.1842A>T, p.Glu614Asp (NM_001258215.1); c.*1A>T (NM_001258216.1); c.2100A>T, p.Glu700Asp (NM_001559.3); short protein forms E700D, E614D.
Identifiers: ClinVar variation 4770203 (VCV004770203.1).
Genomic context (GRCh38, chr1:67,395,600, plus strand): 5'-CTCTCAGGAGAAGACACAGCTGCCCTTGGACAGGCTCCTGATAGACTGGCCCACGCCTGA[A>T]GATCCTGAACCGCTGGTCATCAGTGAAGTCCTTCATCAAGTGACCCCAGTTTTCAGACAT-3'
Protein context (NP_001361188.1, residues 690-710): DRLLIDWPTP[Glu700Asp]DPEPLVISEV

ClinVar aggregate classification (germline): Uncertain significance (1 of 4 stars; one submission).

Submission:

Labcorp Genetics (formerly Invitae), Labcorp
Classification: Uncertain significance. Last evaluated: 2025-07-21. Review status: criteria provided, single submitter. Criteria: Invitae Variant Classification Sherloc (09022015). Collection method: clinical testing. Allele origin: germline.
Comment: This sequence change replaces glutamic acid, which is acidic and polar, with aspartic acid, which is acidic and polar, at codon 700 of the IL12RB2 protein (p.Glu700Asp). This variant is not present in population databases (gnomAD no frequency). This variant has not been reported in the literature in individuals affected with IL12RB2-related conditions. An algorithm developed to predict the effect of missense changes on protein structure and function (PolyPhen-2) suggests that this variant is likely to be tolerated. In summary, the available evidence is currently insufficient to determine the role of this variant in disease. Therefore, it has been classified as a Variant of Uncertain Significance.